The following is an entry in ClinVar:

NM_017950.4(CCDC40):c.490G>A (p.Gly164Arg)

Gene: CCDC40 (coiled-coil domain 40 molecular ruler complex subunit; plus strand). Cytogenetic location: 17q25.3.
Variant type: single nucleotide variant.
Coding change: c.490G>A on transcript NM_017950.4 (MANE Select); coding-DNA position 490, G replaced by A.
Protein change: p.Gly164Arg; replaces glycine 164 with arginine.
Molecular consequence: missense variant.
Genome position (GRCh38, 1-based): chr17:80,040,208, G>A. VCF-style: chr17-80040208-G-A. GRCh37 (hg19) VCF-style: chr17-78014007-G-A.
Other names: c.490G>A, p.Gly164Arg (NM_001243342.2, NM_001330508.2); short protein forms G164R.
Identifiers: ClinVar variation 241242 (VCV000241242.8), dbSNP rs770564150, ClinGen allele CA8813453.

ClinVar aggregate classification (germline): Conflicting classifications of pathogenicity. Review status: criteria provided, conflicting classifications (1 of 4 stars). 2 submissions from 2 submitters: Uncertain significance (1); Likely benign (1). Last evaluated 2022-10-27.

Conditions:
Primary ciliary dyskinesia. Also called: Ciliary dyskinesia. Identifiers: Orphanet 244, MedGen C0008780, MONDO:0016575, HP:0012265.

Allele frequency attached by ClinVar (database versions not stated): TOPMed 0.00002.
gnomAD v4.1: 70 of 1,613,908 alleles (0.0043%); highest among the groups gnomAD compares: Non-Finnish European, 0.0055%; no homozygotes.

Submissions (2):

Ambry Genetics
Classification: Likely benign for Primary ciliary dyskinesia. Last evaluated: 2022-10-27. Review status: criteria provided, single submitter. Criteria: Ambry Variant Classification Scheme 2023. Collection method: clinical testing. Allele origin: germline.

Labcorp Genetics (formerly Invitae), Labcorp
Classification: Uncertain significance for Primary ciliary dyskinesia. Last evaluated: 2021-09-01. Review status: criteria provided, single submitter. Criteria: Invitae Variant Classification Sherloc (09022015). Collection method: clinical testing. Allele origin: germline.
Comment: This sequence change replaces glycine with arginine at codon 164 of the CCDC40 protein (p.Gly164Arg). The glycine residue is weakly conserved and there is a moderate physicochemical difference between glycine and arginine. This variant is present in population databases (rs770564150, ExAC 0.006%). This variant has not been reported in the literature in individuals affected with CCDC40-related conditions. ClinVar contains an entry for this variant (Variation ID: 241242). Algorithms developed to predict the effect of missense changes on protein structure and function (SIFT, PolyPhen-2, Align-GVGD) all suggest that this variant is likely to be tolerated. In summary, the available evidence is currently insufficient to determine the role of this variant in disease. Therefore, it has been classified as a Variant of Uncertain Significance.